The following is an entry in ClinVar:

NM_199420.4(POLQ):c.7417G>C (p.Val2473Leu)

Gene: POLQ (DNA polymerase theta; minus strand). Cytogenetic location: 3q13.33.
Variant type: single nucleotide variant.
Coding change: c.7417G>C on transcript NM_199420.4 (MANE Select); coding-DNA position 7417, G replaced by C.
Protein change: p.Val2473Leu; replaces valine 2473 with leucine.
Molecular consequence: missense variant.
Genome position (GRCh38, 1-based): chr3:121,436,248, C>G on the plus strand (G>C on the coding strand, the complement: POLQ is on the minus strand). VCF-style: chr3-121436248-C-G. GRCh37 (hg19) VCF-style: chr3-121155095-C-G.
Other names: short protein forms V2473L.
Identifiers: ClinVar variation 3422659 (VCV003422659.1).
Genomic context (GRCh38, chr3:121,436,248, plus strand): 5'-CTAATTGCTTCTGAATGTTAACTGTGGCTATTTTGACAATATCAGCTGCTGATCCTTGGA[C>G]TATTGTGTTGATAGCTTGACGCTCAGCCTAGAAAAAACAATCAACAGGTGCTCCACCAGA-3'
Protein context (NP_955452.3, residues 2463-2483): HAERQAINTI[Val2473Leu]QGSAADIVKI

ClinVar aggregate classification (germline): Uncertain significance (1 of 4 stars; one submission).

Submission:

Ambry Genetics
Classification: Uncertain significance. Last evaluated: 2024-11-11. Review status: criteria provided, single submitter. Criteria: Ambry Variant Classification Scheme 2023. Collection method: clinical testing. Allele origin: germline.
Comment: The p.V2473L variant (also known as c.7417G>C), located in coding exon 28 of the POLQ gene, results from a G to C substitution at nucleotide position 7417. The valine at codon 2473 is replaced by leucine, an amino acid with highly similar properties. This amino acid position is conserved. In addition, this alteration is predicted to be deleterious by in silico analysis. Based on the available evidence, the clinical significance of this variant remains unclear.